The following is an entry in ClinVar:

ClinVar aggregate classification (germline): Uncertain significance (1 of 4 stars; one submission).

Conditions:
Brown-Vialetto-van Laere syndrome 1. Also called: BROWN-VIALETTO-VAN LAERE SYNDROME 1, MILD; BULBAR PALSY, PROGRESSIVE, WITH SENSORINEURAL DEAFNESS; PONTOBULBAR PALSY WITH DEAFNESS. Identifiers: Orphanet 572550, Orphanet 97229, MedGen C0796274, MONDO:0024537, OMIM 211530.

Submission:

Labcorp Genetics (formerly Invitae), Labcorp
Classification: Uncertain significance for Brown-Vialetto-van Laere syndrome 1. Last evaluated: 2022-10-13. Review status: criteria provided, single submitter. Criteria: Invitae Variant Classification Sherloc (09022015). Collection method: clinical testing. Allele origin: germline.
Comment: This variant has not been reported in the literature in individuals affected with SLC52A3-related conditions. This variant is not present in population databases (gnomAD no frequency). This sequence change replaces phenylalanine, which is neutral and non-polar, with leucine, which is neutral and non-polar, at codon 362 of the SLC52A3 protein (p.Phe362Leu). ClinVar contains an entry for this variant (Variation ID: 1374825). In summary, the available evidence is currently insufficient to determine the role of this variant in disease. Therefore, it has been classified as a Variant of Uncertain Significance. Advanced modeling of protein sequence and biophysical properties (such as structural, functional, and spatial information, amino acid conservation, physicochemical variation, residue mobility, and thermodynamic stability) performed at Invitae indicates that this missense variant is not expected to disrupt SLC52A3 protein function.

NM_033409.4(SLC52A3):c.1086C>G (p.Phe362Leu)

Gene: SLC52A3 (solute carrier family 52 member 3; minus strand). Cytogenetic location: 20p13.
Variant type: single nucleotide variant.
Coding change: c.1086C>G on transcript NM_033409.4 (MANE Select); coding-DNA position 1086, C replaced by G.
Protein change: p.Phe362Leu; replaces phenylalanine 362 with leucine.
Molecular consequence: missense variant.
Genome position (GRCh38, 1-based): chr20:761,812, G>C on the plus strand (C>G on the coding strand, the complement: SLC52A3 is on the minus strand). VCF-style: chr20-761812-G-C. GRCh37 (hg19) VCF-style: chr20-742456-G-C.
Other names: c.1086C>G, p.Phe362Leu (NM_001370085.1, NM_001370086.1); short protein forms F362L.
Identifiers: ClinVar variation 1374825 (VCV001374825.6), dbSNP rs751425036, ClinGen allele CA407962471.